The following is an entry in ClinVar:

ClinVar aggregate classification (germline): Uncertain significance (1 of 4 stars; one submission).

Conditions:
Hereditary cancer-predisposing syndrome. Also called: Neoplastic Syndromes, Hereditary; Tumor predisposition; Hereditary neoplastic syndrome; Hereditary Cancer Syndrome. Identifiers: Orphanet 140162, MedGen C0027672, MeSH D009386, MONDO:0015356.

Submission:

Ambry Genetics
Classification: Uncertain significance for Hereditary cancer-predisposing syndrome. Last evaluated: 2025-04-12. Review status: criteria provided, single submitter. Criteria: Ambry Variant Classification Scheme 2023. Collection method: clinical testing. Allele origin: germline.
Comment: The p.G616E variant (also known as c.1847G>A), located in coding exon 10 of the ALK gene, results from a G to A substitution at nucleotide position 1847. The glycine at codon 616 is replaced by glutamic acid, an amino acid with similar properties. This amino acid position is conserved. In addition, this alteration is predicted to be tolerated by in silico analysis. Based on the available evidence, the clinical significance of this variant remains unclear.

NM_004304.5(ALK):c.1847G>A (p.Gly616Glu)

Gene: ALK (ALK receptor tyrosine kinase; minus strand). Cytogenetic location: 2p23.2.
Variant type: single nucleotide variant.
Coding change: c.1847G>A on transcript NM_004304.5 (MANE Select); coding-DNA position 1847, G replaced by A.
Protein change: p.Gly616Glu; replaces glycine 616 with glutamic acid.
Molecular consequence: missense variant.
Genome position (GRCh38, 1-based): chr2:29,275,467, C>T on the plus strand (G>A on the coding strand, the complement: ALK is on the minus strand). VCF-style: chr2-29275467-C-T. GRCh37 (hg19) VCF-style: chr2-29498333-C-T.
Other names: short protein forms G616E.
Identifiers: ClinVar variation 4040600 (VCV004040600.1).